The following is an entry in ClinVar:

NM_000202.8(IDS):c.532C>G (p.Leu178Val)

Genes: IDS (iduronate 2-sulfatase; minus strand), LOC106050102 (IDS recombination region; plus strand). Cytogenetic location: Xq28.
Variant type: single nucleotide variant.
Coding change: c.532C>G on transcript NM_000202.8 (MANE Select); coding-DNA position 532, C replaced by G.
Protein change: p.Leu178Val; replaces leucine 178 with valine.
Molecular consequence: missense variant. On other transcripts: non-coding transcript variant (1).
Genome position (GRCh38, 1-based): chrX:149,498,283, G>C on the plus strand (C>G on the coding strand, the complement: IDS is on the minus strand). VCF-style: chrX-149498283-G-C. GRCh37 (hg19) VCF-style: chrX-148579814-G-C.
Other names: c.262C>G, p.Leu88Val (NM_001166550.4); c.532C>G, p.Leu178Val (NM_006123.5); c.532C>G (NM_000202.7); short protein forms L178V, L88V.
Identifiers: ClinVar variation 3704749 (VCV003704749.3).

ClinVar aggregate classification (germline): Uncertain significance. Review status: criteria provided, single submitter (1 of 4 stars). 2 submissions from 2 submitters: Uncertain significance (1). 1 of the submissions does not count toward it. Last evaluated 2024-07-22.

Conditions:
Mucopolysaccharidosis, MPS-III-A (MPS3A). Also called: HEPARAN SULFATE SULFATASE DEFICIENCY; SANFILIPPO SYNDROME A; SULFAMIDASE DEFICIENCY; MPS III A; Mucopolysaccharidosis type IIIA (Sanfilippo A); Mucopolysaccharidosis, type IIIA. Identifiers: Orphanet 581, Orphanet 79269, MedGen C0086647, MONDO:0009655, OMIM 252900.
Mucopolysaccharidosis, MPS-II (MPS2). Also called: Attenuated MPS (subtype; formerly known as mild MPS II); Severe MPS II; I2S deficiency; MPS 2; Hunter Syndrome; IDURONATE 2-SULFATASE DEFICIENCY. Identifiers: Orphanet 580, Orphanet 79388, MedGen C0026705, MONDO:0010674, OMIM 309900.

gnomAD v4.1: 2 of 1,210,933 alleles (0.00017%); highest among the groups gnomAD compares: Non-Finnish European, 0.00022%; no homozygotes.

Submissions (2):

Labcorp Genetics (formerly Invitae), Labcorp
Classification: Uncertain significance for Mucopolysaccharidosis, MPS-II. Last evaluated: 2024-07-22. Review status: criteria provided, single submitter. Criteria: Invitae Variant Classification Sherloc (09022015). Collection method: clinical testing. Allele origin: germline.
Comment: This sequence change replaces leucine, which is neutral and non-polar, with valine, which is neutral and non-polar, at codon 178 of the IDS protein (p.Leu178Val). This variant is not present in population databases (gnomAD no frequency). This variant has not been reported in the literature in individuals affected with IDS-related conditions. Advanced modeling of protein sequence and biophysical properties (such as structural, functional, and spatial information, amino acid conservation, physicochemical variation, residue mobility, and thermodynamic stability) performed at Invitae indicates that this missense variant is not expected to disrupt IDS protein function with a negative predictive value of 80%. In summary, the available evidence is currently insufficient to determine the role of this variant in disease. Therefore, it has been classified as a Variant of Uncertain Significance.

Natera, Inc.
Classification: Uncertain significance for Mucopolysaccharidosis type IIIA. Last evaluated: 2025-02-20. Review status: no assertion criteria provided. Collection method: clinical testing. Allele origin: germline. Not counted in ClinVar's aggregate classification.